The following is an entry in ClinVar:

ClinVar aggregate classification (germline): Pathogenic. Review status: reviewed by expert panel (3 of 4 stars). 3 submissions from 3 submitters: Pathogenic (1). 2 of the submissions do not count toward it. Last evaluated 2026-05-27.

Conditions:
Hereditary thrombocytopenia and hematologic cancer predisposition syndrome. Identifiers: Orphanet 71290, MedGen CN281654, MONDO:0011071.
Hereditary thrombocytopenia and hematological cancer predisposition syndrome associated with RUNX1. Also called: Familial Platelet Disorder with Propensity to Acute Myelogenous Leukemia; PLATELET DISORDER, ASPIRIN-LIKE; RUNX1 Familial Platelet Disorder with Associated Myeloid Malignancies; Familial thrombocytopenia with propensity to acute myelogenous leukemia. Identifiers: Orphanet 71290, MedGen C1832388, MeSH C563324, MONDO:0100083, OMIM 601399.

Submissions (3):

ClinGen Myeloid Malignancy Variant Curation Expert Panel
Classification: Pathogenic for Hereditary thrombocytopenia and hematologic cancer predisposition syndrome. Last evaluated: 2026-05-27. Review status: reviewed by expert panel. Criteria: ClinGen MyeloMalig ACMG Specifications V3.1. Collection method: curation. Allele origin: germline. Inheritance: Autosomal dominant inheritance.
Comment: NM_001754.4:c.400G>C (p.Ala134Pro) is a missense variant which affects one of the hotspot residues (A134) within the RHD (PM1_Strong). Transactivation assays demonstrate altered transactivation (<20% of wt) and data from secondary assays demonstrate altered CBFβ binding and sub-cellular localization (PS3; PMID: 23848403). This variant is completely absent from all population databases with at least 20x coverage for RUNX1 (PM2_Supporting) and has a REVEL score of >0.75 (0.95) (PP3). This variant has been reported in one proband meeting at least one of the RUNX1-phenotypic criteria (PS4_ Supporting; PMID: 12060124) and was found to co-segregate with disease in multiple affected family members, with three meioses observed in one family (PP1; PMID: 12060124). In summary, this variant meets criteria to be classified as pathogenic. ACMG/AMP criteria applied, as specified by the Myeloid Malignancy Variant Curation Expert Panel for RUNX1: PM1_Strong, PS3, PM2_Supporting, PP3, PS4_Supporting, PP1.

Labcorp Genetics (formerly Invitae), Labcorp
Classification: Likely pathogenic for Hereditary thrombocytopenia and hematological cancer predisposition syndrome associated with RUNX1. Last evaluated: 2025-10-25. Review status: criteria provided, single submitter. Criteria: Invitae Variant Classification Sherloc (09022015). Collection method: clinical testing. Allele origin: germline. Not counted in ClinVar's aggregate classification.
Comment: This sequence change replaces alanine, which is neutral and non-polar, with proline, which is neutral and non-polar, at codon 134 of the RUNX1 protein (p.Ala134Pro). This variant is not present in population databases (gnomAD no frequency). This missense change has been observed in individual(s) with autosomal dominant familial platelet disorder with associated myeloid malignancy (PMID: 12060124). It has also been observed to segregate with disease in related individuals. This variant is also known as p.Ala107Pro. ClinVar contains an entry for this variant (Variation ID: 14468). Invitae Evidence Modeling of protein sequence and biophysical properties (such as structural, functional, and spatial information, amino acid conservation, physicochemical variation, residue mobility, and thermodynamic stability) has been performed for this missense variant. However, the output from this modeling did not meet the statistical confidence thresholds required to predict the impact of this variant on RUNX1 protein function. Experimental studies have shown that this missense change affects RUNX1 function (PMID: 17290219, 23817177, 23848403). In summary, the currently available evidence indicates that the variant is pathogenic, but additional data are needed to prove that conclusively. Therefore, this variant has been classified as Likely Pathogenic.

OMIM
Classification: Pathogenic for PLATELET DISORDER, FAMILIAL, WITH ASSOCIATED MYELOID MALIGNANCY. Last evaluated: 2002-06-01. Review status: no assertion criteria provided. Collection method: literature only. Allele origin: germline. Not counted in ClinVar's aggregate classification.

Literature cited by the submitters: PubMed 12060124 (cited by 3 submitters); PubMed 23848403 (cited by ClinGen Myeloid Malignancy Variant Curation Expert Panel and Labcorp Genetics (formerly Invitae), Labcorp); PubMed 17290219 (cited by Labcorp Genetics (formerly Invitae), Labcorp); PubMed 23817177 (cited by Labcorp Genetics (formerly Invitae), Labcorp).

NM_001754.5(RUNX1):c.400G>C (p.Ala134Pro)

Genes: RUNX1 (RUNX family transcription factor 1; minus strand), RUNX1-AS1 (RUNX1 antisense RNA 1; plus strand). Cytogenetic location: 21q22.12.
Variant type: single nucleotide variant.
Coding change: c.400G>C on transcript NM_001754.5 (MANE Select); coding-DNA position 400, G replaced by C.
Protein change: p.Ala134Pro; replaces alanine 134 with proline.
Molecular consequence: missense variant.
Genome position (GRCh38, 1-based): chr21:34,880,665, C>G on the plus strand (G>C on the coding strand, the complement: RUNX1 is on the minus strand). VCF-style: chr21-34880665-C-G. GRCh37 (hg19) VCF-style: chr21-36252962-C-G.
Other names: NM_001754.4(RUNX1):c.400G>C; NM_001754.5(RUNX1):c.400G>C; c.319G>C, p.Ala107Pro (NM_001001890.3, NM_001122607.2); short protein forms A107P, A134P.
Identifiers: ClinVar variation 14468 (VCV000014468.5), dbSNP rs74315451, ClinGen allele CA248623.